The following is an entry in ClinVar:

ClinVar aggregate classification (germline): Conflicting classifications of pathogenicity. Review status: criteria provided, conflicting classifications (1 of 4 stars). 2 submissions from 2 submitters: Uncertain significance (1); Likely benign (1). Last evaluated 2022-03-01.

Allele frequency attached by ClinVar (database versions not stated): 1000 Genomes Project 0.00040; ExAC 0.00046; gnomAD 0.00046; 1000 Genomes Project 30x 0.00047; TOPMed 0.00049; ESP Exome Variant Server 0.00062.
gnomAD v4.1: 381 of 1,614,028 alleles (0.024%); highest among the groups gnomAD compares: African/African-American, 0.083%; 3 homozygotes.

Submissions (2):

CeGaT Center for Human Genetics Tuebingen
Classification: Likely benign. Last evaluated: 2022-03-01. Review status: criteria provided, single submitter. Criteria: CeGaT Center For Human Genetics Tuebingen Variant Classification Criteria Version 2. Collection method: clinical testing. Allele origin: germline. Affected: yes. Observed: 1 variant allele.
Comment: DEPTOR: BS2

Ambry Genetics
Classification: Uncertain significance. Last evaluated: 2021-12-06. Review status: criteria provided, single submitter. Criteria: Ambry Variant Classification Scheme 2023. Collection method: clinical testing. Allele origin: germline.

NM_022783.4(DEPTOR):c.1034G>A (p.Arg345Gln)

Gene: DEPTOR (DEP domain containing MTOR interacting protein; plus strand). Cytogenetic location: 8q24.12.
Variant type: single nucleotide variant.
Coding change: c.1034G>A on transcript NM_022783.4 (MANE Select); coding-DNA position 1034, G replaced by A.
Protein change: p.Arg345Gln; replaces arginine 345 with glutamine.
Molecular consequence: missense variant.
Genome position (GRCh38, 1-based): chr8:120,009,066, G>A. VCF-style: chr8-120009066-G-A. GRCh37 (hg19) VCF-style: chr8-121021305-G-A.
Other names: c.731G>A, p.Arg244Gln (NM_001283012.2); short protein forms R244Q, R345Q.
Identifiers: ClinVar variation 2259724 (VCV002259724.26), dbSNP rs147712866, ClinGen allele CA4858367.